The following is an entry in ClinVar:

ClinVar aggregate classification (germline): Likely benign (1 of 4 stars; one submission).

Submission:

CeGaT Center for Human Genetics Tuebingen
Classification: Likely benign. Last evaluated: 2026-02-01. Review status: criteria provided, single submitter. Criteria: CeGaT Center For Human Genetics Tuebingen Variant Classification Criteria Version 2. Collection method: clinical testing. Allele origin: germline. Affected: yes. Observed: 1 variant allele.
Comment: RAET1L: BP4, BP7

NM_130900.3(RAET1L):c.309G>A (p.Glu103=)

Gene: RAET1L (retinoic acid early transcript 1L; minus strand). Cytogenetic location: 6q25.1.
Variant type: single nucleotide variant.
Coding change: c.309G>A on transcript NM_130900.3 (MANE Select); coding-DNA position 309, G replaced by A.
Protein change: p.Glu103=; no amino-acid change (glutamic acid 103 retained).
Molecular consequence: synonymous variant.
Genome position (GRCh38, 1-based): chr6:150,022,020, C>T on the plus strand (G>A on the coding strand, the complement: RAET1L is on the minus strand). VCF-style: chr6-150022020-C-T. GRCh37 (hg19) VCF-style: chr6-150343156-C-T.
Identifiers: ClinVar variation 4821174 (VCV004821174.4).